The following is an entry in ClinVar:

ClinVar aggregate classification (germline): Likely benign (1 of 4 stars; one submission).

Conditions:
NOTCH2-related disorder. Also called: NOTCH2-related condition.

Submission:

PreventionGenetics, part of Exact Sciences
Classification: Likely benign for NOTCH2-related condition. Last evaluated: 2026-04-21. Review status: criteria provided, single submitter. Criteria: ACMG Guidelines, 2015. Collection method: clinical testing. Allele origin: germline.
Comment: This variant is classified as likely benign based on ACMG/AMP sequence variant interpretation guidelines (Richards et al. 2015 PMID: 25741868, with internal and published modifications).

NM_024408.4(NOTCH2):c.6267A>G (p.Arg2089=)

Gene: NOTCH2 (notch receptor 2; minus strand). Cytogenetic location: 1p12.
Variant type: single nucleotide variant.
Coding change: c.6267A>G on transcript NM_024408.4 (MANE Select); coding-DNA position 6267, A replaced by G.
Protein change: p.Arg2089=; no amino-acid change (arginine 2089 retained).
Molecular consequence: synonymous variant.
Genome position (GRCh38, 1-based): chr1:119,916,455, T>C on the plus strand (A>G on the coding strand, the complement: NOTCH2 is on the minus strand). VCF-style: chr1-119916455-T-C. GRCh37 (hg19) VCF-style: chr1-120459078-T-C.
Identifiers: ClinVar variation 4984185 (VCV004984185.1).